The following is an entry in ClinVar:

NM_002878.4(RAD51D):c.575A>C (p.Gln192Pro)

Genes: RAD51L3-RFFL (RAD51L3-RFFL readthrough; minus strand), RAD51D (RAD51 paralog D; minus strand). Cytogenetic location: 17q12.
Variant type: single nucleotide variant.
Coding change: c.575A>C on transcript NM_002878.4 (MANE Select); coding-DNA position 575, A replaced by C.
Protein change: p.Gln192Pro; replaces glutamine 192 with proline.
Molecular consequence: missense variant. On other transcripts: non-coding transcript variant (3).
Genome position (GRCh38, 1-based): chr17:35,106,387, T>G on the plus strand (A>C on the coding strand, the complement: RAD51D is on the minus strand). VCF-style: chr17-35106387-T-G. GRCh37 (hg19) VCF-style: chr17-33433406-T-G.
Other names: c.635A>C, p.Gln212Pro (NM_001142571.2); c.239A>C, p.Gln80Pro (NM_133629.3); short protein forms Q192P, Q212P, Q80P.
Identifiers: ClinVar variation 1504398 (VCV001504398.8), dbSNP rs876660090, ClinGen allele CA399088506.
Genomic context (GRCh38, chr17:35,106,387, plus strand): 5'-CACAGAGATAGCACCTAGAAAGCTGAATTAAGCAAGGAGGGGCAGAACAGCAGGCTCACC[T>G]GCTGGGCCACAGTGCCTCGGAGCTCCTGCAGCACATCCAGCATCTGGAAGATGTCAAATG-3'
Protein context (NP_002869.3, residues 182-202): LQELRGTVAQ[Gln192Pro]VTGSSGTVKV

ClinVar aggregate classification (germline): Uncertain significance (1 of 4 stars; one submission).

Conditions:
Breast-ovarian cancer, familial, susceptibility to, 4. Identifiers: Orphanet 145, MedGen C3280345, MONDO:0013669, OMIM 614291.

gnomAD v4.1: 1 of 1,612,864 alleles (0.000062%); highest among the groups gnomAD compares: Non-Finnish European, 0.000085%; no homozygotes.

Submission:

Labcorp Genetics (formerly Invitae), Labcorp
Classification: Uncertain significance for Breast-ovarian cancer, familial, susceptibility to, 4. Last evaluated: 2021-01-22. Review status: criteria provided, single submitter. Criteria: Invitae Variant Classification Sherloc (09022015). Collection method: clinical testing. Allele origin: germline.
Comment: In summary, the available evidence is currently insufficient to determine the role of this variant in disease. Therefore, it has been classified as a Variant of Uncertain Significance. Algorithms developed to predict the effect of missense changes on protein structure and function are either unavailable or do not agree on the potential impact of this missense change (SIFT: "Tolerated"; PolyPhen-2: "Probably Damaging"; Align-GVGD: "Class C0"). This sequence change replaces glutamine with proline at codon 192 of the RAD51D protein (p.Gln192Pro). The glutamine residue is moderately conserved and there is a moderate physicochemical difference between glutamine and proline. This variant is not present in population databases (ExAC no frequency). This variant has not been reported in the literature in individuals with RAD51D-related conditions.